The following is an entry in ClinVar:

ClinVar aggregate classification (germline): Uncertain significance (1 of 4 stars; one submission).

Conditions:
Predisposition to medulloblastoma.

Allele frequency attached by ClinVar (database versions not stated): gnomAD exomes 0.00001; gnomAD 0.00002; TOPMed 0.00002; ExAC 0.00003.
gnomAD v4.1: 23 of 1,613,688 alleles (0.0014%); highest among the groups gnomAD compares: South Asian, 0.0088%; 1 homozygote.

Submission:

St. Jude Molecular Pathology, St. Jude Children's Research Hospital
Classification: Uncertain significance for Predisposition to medulloblastoma. Last evaluated: 2022-08-04. Review status: criteria provided, single submitter. Criteria: St. Jude Assertion Criteria 2020. Collection method: clinical testing. Allele origin: germline.
Comment: The GPR161 c.1559A>G (p.Glu520Gly) missense change has a maximum subpopulation frequency of 0.020% in gnomAD v2.1.1. The in silico tool REVEL is inconclusive about a pathogenic or benign effect of this variant on protein function, and to our knowledge functional studies have not been performed. To our knowledge, this variant has not been reported in individuals with a personal and/or family history of SHH-medulloblastoma. In summary, the evidence currently available is insufficient to determine the clinical significance of this variant. It has therefore been classified as of uncertain significance.

NM_001375883.1(GPR161):c.1559A>G (p.Glu520Gly)

Gene: GPR161 (G protein-coupled receptor 161; minus strand). Cytogenetic location: 1q24.2.
Variant type: single nucleotide variant.
Coding change: c.1559A>G on transcript NM_001375883.1 (MANE Select); coding-DNA position 1559, A replaced by G.
Protein change: p.Glu520Gly; replaces glutamic acid 520 with glycine.
Molecular consequence: missense variant.
Genome position (GRCh38, 1-based): chr1:168,085,562, T>C on the plus strand (A>G on the coding strand, the complement: GPR161 is on the minus strand). VCF-style: chr1-168085562-T-C. GRCh37 (hg19) VCF-style: chr1-168054800-T-C.
Other names: c.1619A>G, p.Glu540Gly (NM_001267609.1); c.1559A>G, p.Glu520Gly (NM_001267610.2, NM_001349632.1, NM_001349633.1 and 5 more transcripts); c.1610A>G, p.Glu537Gly (NM_001267611.1); c.1163A>G, p.Glu388Gly (NM_001267612.2, NM_001349635.1); c.1325A>G, p.Glu442Gly (NM_001267613.1); c.1217A>G, p.Glu406Gly (NM_001267614.1); short protein forms E388G, E406G, E442G, E520G, E537G, E540G.
Identifiers: ClinVar variation 1710974 (VCV001710974.1), dbSNP rs767007902, ClinGen allele CA1229403.